The following is an entry in ClinVar:

ClinVar aggregate classification (germline): Pathogenic. Review status: criteria provided, multiple submitters, no conflicts (2 of 4 stars). 2 submissions from 2 submitters: Pathogenic (2). Last evaluated 2025-10-16.

Conditions:
Hereditary cancer-predisposing syndrome. Also called: Neoplastic Syndromes, Hereditary; Hereditary Cancer Syndrome; Tumor predisposition; Hereditary neoplastic syndrome. Identifiers: Orphanet 140162, MedGen C0027672, MeSH D009386, MONDO:0015356.

Submissions (2):

Ambry Genetics
Classification: Pathogenic for Hereditary cancer-predisposing syndrome. Last evaluated: 2025-10-16. Review status: criteria provided, single submitter. Criteria: Ambry Variant Classification Scheme 2023. Collection method: clinical testing. Allele origin: germline.
Comment: The c.2005delA pathogenic mutation, located in coding exon 11 of the PMS2 gene, results from a deletion of one nucleotide at nucleotide position 2005, causing a translational frameshift with a predicted alternate stop codon (p.S669Vfs*19). This alteration is expected to result in loss of function by premature protein truncation or nonsense-mediated mRNA decay. As such, this alteration is interpreted as a disease-causing mutation.

GeneDx
Classification: Pathogenic. Last evaluated: 2017-11-20. Review status: criteria provided, single submitter. Criteria: GeneDx Variant Classification (06012015). Collection method: clinical testing. Allele origin: germline. Affected: yes.
Comment: This deletion of one nucleotide in PMS2 is denoted c.2005delA at the cDNA level and p.Ser669ValfsX19 (S669VfsX19) at the protein level. The normal sequence, with the base that is deleted in brackets, is GATA[delA]Ggta. The deletion causes a frameshift which changes a Serine to a Valine at codon 669, and creates a premature stop codon at position 19 of the new reading frame. Although this variant has not, to our knowledge, been reported in the literature, it is predicted to cause loss of normal protein function through either protein truncation or nonsense-mediated mRNA decay. We consider this variant to be pathogenic.

NM_000535.7(PMS2):c.2005del (p.Ser669fs)

Gene: PMS2 (PMS1 homolog 2, mismatch repair system component; minus strand). Cytogenetic location: 7p22.1.
Variant type: Deletion.
Coding change: c.2005del on transcript NM_000535.7 (MANE Select); coding-DNA position 2005, one base deleted (A; older notation c.2005delA).
Protein change: p.Ser669fs; shifts the reading frame from serine 669.
Molecular consequence: frameshift variant. On other transcripts: non-coding transcript variant (1).
Genome position (GRCh38, 1-based): chr7:5,986,760, T deleted on the plus strand (A on the coding strand, the reverse complement: PMS2 is on the minus strand); the first of 2 consecutive T bases (chr7:5,986,760-5,986,761); deleting either gives the same sequence. VCF-style (leftmost placement, unchanged base first): chr7-5986759-CT-C. GRCh37 (hg19) VCF-style: chr7-6026390-CT-C.
Other names: c.1600del, p.Ser534fs (NM_001322003.2, NM_001322004.2, NM_001322005.2 and 1 more transcripts); c.1849del, p.Ser617fs (NM_001322006.2); c.1687del, p.Ser563fs (NM_001322007.2, NM_001322008.2); c.1444del, p.Ser482fs (NM_001322010.2); c.1072del, p.Ser358fs (NM_001322011.2, NM_001322012.2); c.1432del, p.Ser478fs (NM_001322013.2); c.2005del, p.Ser669fs (NM_001322014.2); c.1696del, p.Ser566fs (NM_001322015.2); short protein forms S478fs, S534fs, S358fs, S563fs, S669fs, S482fs, S566fs, S617fs.
Identifiers: ClinVar variation 503869 (VCV000503869.3), dbSNP rs773174603, ClinGen allele CA046194.
Genomic context (GRCh38, chr7:5,986,759, plus strand): 5'-TAAAAAATAAAAATAAAAATTTTAGATAAAAAGAGAAAAAGTAAAAAATTAAAACTTTAC[CT>C]TATCTCTTTTCTTAGTTCATCTTCGGCTGCTTGATTTTCTCCAGGACAAATCTTTGCCCT-3'